The following is an entry in ClinVar:

NC_000023.11:g.11120047T>C

Genes: ARHGAP6 (Rho GTPase activating protein 6; minus strand), HCCS (holocytochrome c synthase; plus strand). Cytogenetic location: Xp22.2.
Variant type: single nucleotide variant.
Molecular consequence: intron variant (on NM_005333.5).
Genome position: GRCh38 VCF-style: chrX-11120047-T-C. GRCh37 (hg19) VCF-style: chrX-11138167-T-C.
Other names: c.522-860T>C (NM_005333.5, NM_001122608.3, NM_001171991.3).
Identifiers: ClinVar variation 2659981 (VCV002659981.24), dbSNP rs755537648, ClinGen allele CA10347848.

ClinVar aggregate classification (germline): Likely benign (1 of 4 stars; one submission).

Allele frequency attached by ClinVar (database versions not stated): ExAC 0.00017; 1000 Genomes Project 30x 0.00042; 1000 Genomes Project 0.00053; TOPMed 0.00115; gnomAD exomes 0.00149; gnomAD 0.00164.
gnomAD v4.1: 504 of 323,350 alleles (0.16%); highest among the groups gnomAD compares: Middle Eastern, 0.22%; 2 homozygotes.

Submission:

CeGaT Center for Human Genetics Tuebingen
Classification: Likely benign. Last evaluated: 2023-03-01. Review status: criteria provided, single submitter. Criteria: CeGaT Center For Human Genetics Tuebingen Variant Classification Criteria Version 2. Collection method: clinical testing. Allele origin: germline. Affected: yes. Observed: 1 variant allele.
Comment: ARHGAP6: BS2